The following is an entry in ClinVar:

NM_004369.4(COL6A3):c.5213G>A (p.Arg1738His)

Gene: COL6A3 (collagen type VI alpha 3 chain; minus strand). Cytogenetic location: 2q37.3.
Variant type: single nucleotide variant.
Coding change: c.5213G>A on transcript NM_004369.4 (MANE Select); coding-DNA position 5213, G replaced by A.
Protein change: p.Arg1738His; replaces arginine 1738 with histidine.
Molecular consequence: missense variant.
Genome position (GRCh38, 1-based): chr2:237,366,974, C>T on the plus strand (G>A on the coding strand, the complement: COL6A3 is on the minus strand). VCF-style: chr2-237366974-C-T. GRCh37 (hg19) VCF-style: chr2-238275617-C-T.
Other names: c.3392G>A, p.Arg1131His (NM_057166.5); c.4595G>A, p.Arg1532His (NM_057167.4); short protein forms R1738H, R1532H, R1131H.
Identifiers: ClinVar variation 498324 (VCV000498324.15), dbSNP rs774808500, ClinGen allele CA2188719.

ClinVar aggregate classification (germline): Uncertain significance. Review status: criteria provided, multiple submitters, no conflicts (2 of 4 stars). 3 submissions from 3 submitters: Uncertain significance (3). Last evaluated 2024-11-06.

Conditions:
Bethlem myopathy 1A. Also called: Bethlem Muscular Dystrophy; MYOPATHY, BENIGN CONGENITAL, WITH CONTRACTURES; Bethlem myopathy 1. Identifiers: Orphanet 610, MedGen CN029274, MONDO:0024530, OMIM 158810.

Allele frequency attached by ClinVar (database versions not stated): ExAC 0.00001; gnomAD exomes 0.00001; TOPMed 0.00002; gnomAD 0.00003.
gnomAD v4.1: 12 of 1,614,140 alleles (0.00074%); highest among the groups gnomAD compares: African/African-American, 0.0027%; no homozygotes.

Submissions (3):

Revvity Omics, Revvity
Classification: Uncertain significance. Last evaluated: 2024-11-06. Review status: criteria provided, single submitter. Criteria: ACMG Guidelines, 2015. Collection method: clinical testing. Allele origin: germline.

Labcorp Genetics (formerly Invitae), Labcorp
Classification: Uncertain significance for Bethlem myopathy 1A. Last evaluated: 2023-11-08. Review status: criteria provided, single submitter. Criteria: Invitae Variant Classification Sherloc (09022015). Collection method: clinical testing. Allele origin: germline.
Comment: This sequence change replaces arginine, which is basic and polar, with histidine, which is basic and polar, at codon 1738 of the COL6A3 protein (p.Arg1738His). This variant is present in population databases (rs774808500, gnomAD 0.004%). This missense change has been observed in individual(s) with clinical features of COL6A3-related conditions (Invitae). In at least one individual the variant was observed to be de novo. ClinVar contains an entry for this variant (Variation ID: 498324). Advanced modeling of protein sequence and biophysical properties (such as structural, functional, and spatial information, amino acid conservation, physicochemical variation, residue mobility, and thermodynamic stability) performed at Invitae indicates that this missense variant is expected to disrupt COL6A3 protein function with a positive predictive value of 80%. In summary, the available evidence is currently insufficient to determine the role of this variant in disease. Therefore, it has been classified as a Variant of Uncertain Significance.

Eurofins Ntd Llc (ga)
Classification: Uncertain significance. Last evaluated: 2016-11-04. Review status: criteria provided, single submitter. Criteria: EGL Classification Definitions 2015. Collection method: clinical testing. Allele origin: germline. Observed: 1 variant allele, 1 heterozygote.